The following is an entry in ClinVar:

ClinVar aggregate classification (germline): Likely pathogenic. Review status: criteria provided, single submitter (1 of 4 stars). 2 submissions from 2 submitters: Likely pathogenic (1). 1 of the submissions does not count toward it. Last evaluated 2017-02-27.

Conditions:
Corneal intraepithelial dyskeratosis-palmoplantar hyperkeratosis-laryngeal dyskeratosis syndrome. Also called: Palmoplantar carcinoma, multiple self-healing. Identifiers: Orphanet 352662, MedGen C3808876, MONDO:0014089, OMIM 615225.

Submissions (2):

GeneDx
Classification: Likely pathogenic. Last evaluated: 2017-02-27. Review status: criteria provided, single submitter. Criteria: GeneDx Variant Classification (06012015). Collection method: clinical testing. Allele origin: germline. Affected: yes.
Comment: The A66V variant in the NLRP1 gene has been reported previously in the heterozygous state in a family with MSPC (Zhong et al., 2016). The A66V variant is not observed in large population cohorts (Lek et al., 2016; 1000 Genomes Consortium et al., 2015; Exome Variant Server). The A66V variant is a conservative amino acid substitution, which is not likely to impact secondary protein structure as these residues share similar properties. While this substitution occurs at a position that is not conserved across species, it is located in the auto-inhibitory pyrin domain (Zhong et al., 2016). Functional studies indicate that cells overexpressing A66V have significantly increased inflammosome assembly compared to wild type, and A66V leads to a disruption in proper protein folding (Zhong et al., 2016). The A66V variant is a strong candidate for a pathogenic variant.

OMIM
Classification: Pathogenic for PALMOPLANTAR CARCINOMA, MULTIPLE SELF-HEALING. Last evaluated: 2019-09-30. Review status: no assertion criteria provided. Collection method: literature only. Allele origin: germline. Not counted in ClinVar's aggregate classification.

Literature cited by the submitters: PubMed 27662089 (cited by OMIM).

NM_033004.4(NLRP1):c.197C>T (p.Ala66Val)

Gene: NLRP1 (NLR family pyrin domain containing 1; minus strand). Cytogenetic location: 17p13.2.
Variant type: single nucleotide variant.
Coding change: c.197C>T on transcript NM_033004.4 (MANE Select); coding-DNA position 197, C replaced by T.
Protein change: p.Ala66Val; replaces alanine 66 with valine.
Molecular consequence: missense variant.
Genome position (GRCh38, 1-based): chr17:5,583,761, G>A on the plus strand (C>T on the coding strand, the complement: NLRP1 is on the minus strand). VCF-style: chr17-5583761-G-A. GRCh37 (hg19) VCF-style: chr17-5487081-G-A.
Other names: c.197C>T, p.Ala66Val (NM_001033053.3, NM_014922.5, NM_033006.4 and 1 more transcripts); short protein forms A66V.
Identifiers: ClinVar variation 375414 (VCV000375414.4), dbSNP rs1057519493, ClinGen allele CA16044250.
Genomic context (GRCh38, chr17:5,583,761, plus strand): 5'-GCTTGGGCGCACAGTGACCTCAGCCCCATCTGCTCCCAGGTATGGAGGGCTAGGTCCCAG[G>A]CCCGCTGCTCCCCATACTGAGCCACCAGGTACGAGGCCACCTCCATGCCACTCGTCTTCT-3'
Protein context (NP_127497.1, residues 56-76): YLVAQYGEQR[Ala66Val]WDLALHTWEQ